The following is an entry in ClinVar:

NM_016194.4(GNB5):c.375+1G>C

Gene: GNB5 (G protein subunit beta 5; minus strand). Cytogenetic location: 15q21.2.
Variant type: single nucleotide variant.
Coding change: c.375+1G>C on transcript NM_016194.4 (MANE Select); the canonical splice donor site of the intron after coding-DNA position 375, G replaced by C.
Molecular consequence: splice donor variant.
Genome position (GRCh38, 1-based): chr15:52,153,939, C>G on the plus strand (G>C on the coding strand, the complement: GNB5 is on the minus strand). VCF-style: chr15-52153939-C-G. GRCh37 (hg19) VCF-style: chr15-52446136-C-G.
Other names: c.249+1G>C (NM_006578.4); c.93+1G>C (NM_001379343.1).
Identifiers: ClinVar variation 3902534 (VCV003902534.1).
Genomic context (GRCh38, chr15:52,153,939, plus strand): 5'-CCTCCCCCTTAGCTATAAAATCCAAAACCCGCTCACCTGTTATGCAGCAGGTGTGACATA[C>G]CTGTGACGAGCTCACGATCCTCCTCTTATCTTTGCACCAGTCCATGCACAGGACTTTGTT-3'

ClinVar aggregate classification (germline): Likely pathogenic (1 of 4 stars; one submission).

Conditions:
GNB5-related disorder. Also called: GNB5-related condition; GNB5-related disorders.

Submission:

Women's Health and Genetics/Laboratory Corporation of America, LabCorp
Classification: Likely pathogenic for GNB5-Related Disorders. Last evaluated: 2025-05-05. Review status: criteria provided, single submitter. Criteria: LabCorp Variant Classification Summary - May 2015. Collection method: clinical testing. Allele origin: germline.
Comment: Variant summary: GNB5 c.375+1G>C is located in a canonical splice-site and is predicted to affect mRNA splicing resulting in a significantly altered protein due to either exon skipping, shortening, or inclusion of intronic material. Variants that disrupt the consensus splice site are a relatively common cause of aberrant splicing and loss of GNB5 function. Several computational tools predict a significant impact on normal splicing: Four predict the variant abolishes a 5' splicing donor site. However, these predictions have yet to be confirmed by functional studies. The variant was absent in 250550 control chromosomes. To our knowledge, no occurrence of c.375+1G>C in individuals affected with GNB5-Related Disorders and no experimental evidence demonstrating its impact on protein function have been reported. No submitters have cited clinical-significance assessments for this variant to ClinVar. Based on the evidence outlined above, the variant was classified as likely pathogenic.